The following is an entry in ClinVar:

ClinVar aggregate classification (germline): Uncertain significance (1 of 4 stars; one submission).

Conditions:
Epidermodysplasia verruciformis. Identifiers: Orphanet 302, MedGen C0014522, MONDO:0009176.

Submission:

Labcorp Genetics (formerly Invitae), Labcorp
Classification: Uncertain significance for Epidermodysplasia verruciformis. Last evaluated: 2022-05-29. Review status: criteria provided, single submitter. Criteria: Invitae Variant Classification Sherloc (09022015). Collection method: clinical testing. Allele origin: germline.
Comment: This variant has not been reported in the literature in individuals affected with TMC8-related conditions. Algorithms developed to predict the effect of missense changes on protein structure and function are either unavailable or do not agree on the potential impact of this missense change (SIFT: "Deleterious"; PolyPhen-2: "Probably Damaging"; Align-GVGD: "Class C0"). In summary, the available evidence is currently insufficient to determine the role of this variant in disease. Therefore, it has been classified as a Variant of Uncertain Significance. This variant is not present in population databases (gnomAD no frequency). This sequence change replaces tyrosine, which is neutral and polar, with cysteine, which is neutral and slightly polar, at codon 186 of the TMC8 protein (p.Tyr186Cys).

NM_152468.5(TMC8):c.557A>G (p.Tyr186Cys)

Gene: TMC8 (transmembrane channel like 8; plus strand). Cytogenetic location: 17q25.3.
Variant type: single nucleotide variant.
Coding change: c.557A>G on transcript NM_152468.5 (MANE Select); coding-DNA position 557, A replaced by G.
Protein change: p.Tyr186Cys; replaces tyrosine 186 with cysteine.
Molecular consequence: missense variant.
Genome position (GRCh38, 1-based): chr17:78,133,431, A>G. VCF-style: chr17-78133431-A-G. GRCh37 (hg19) VCF-style: chr17-76129512-A-G.
Other names: short protein forms Y186C.
Identifiers: ClinVar variation 2168417 (VCV002168417.4), dbSNP rs778599392, ClinGen allele CA401242942.
Genomic context (GRCh38, chr17:78,133,431, plus strand): 5'-TCACCCGGGCTGGGTATCTTCGTCGCTGTCCCCAGGCCTTCACCAACACCTATCTCTTCT[A>G]CGGTGCGTACCGAGTGGGGCCGGAGAGCAGCTCCGTGTACAGCATCCGCCTGGCCTACCT-3'
Protein context (NP_689681.2, residues 176-196): GRAFTNTYLF[Tyr186Cys]GAYRVGPESS